The following is an entry in ClinVar:

ClinVar aggregate classification (germline): Uncertain significance. Review status: criteria provided, multiple submitters, no conflicts (2 of 4 stars). 3 submissions from 3 submitters: Uncertain significance (3). Last evaluated 2023-12-13.

Conditions:
Wilson disease (WND). Also called: Wilson's disease. Identifiers: Orphanet 905, MedGen C0019202, MONDO:0010200, OMIM 277900. Disease mechanism: loss of function.

Allele frequency attached by ClinVar (database versions not stated): ExAC 0.00002; gnomAD 0.00002; TOPMed 0.00004.
gnomAD v4.1: 8 of 1,614,128 alleles (0.0005%); highest among the groups gnomAD compares: African/African-American, 0.011%; no homozygotes.

Submissions (3):

All of Us Research Program, National Institutes of Health
Classification: Uncertain significance for Wilson disease. Last evaluated: 2023-12-13. Review status: criteria provided, single submitter. Criteria: ACMG Guidelines, 2015. Collection method: clinical testing. Allele origin: germline. Inheritance: Autosomal recessive inheritance. Observed: 2 variant alleles, 2 heterozygotes.
Comment: This missense variant replaces glutamic acid with glutamine at codon 5 of the ATP7B protein. Computational prediction suggests that this variant may not impact protein structure and function (internally defined REVEL score threshold <= 0.5, PMID: 27666373). To our knowledge, functional studies have not been reported for this variant. This variant has not been reported in individuals affected with ATP7B-related disorders in the literature. This variant has been identified in 3/249424 chromosomes in the general population by the Genome Aggregation Database (gnomAD). The available evidence is insufficient to determine the role of this variant in disease conclusively. Therefore, this variant is classified as a Variant of Uncertain Significance.

This study involves interpretation of variants in research participants for the purpose of population health screening. Participant phenotype was not available at the time of variant classification. Additional details can be found in publication PMID: 35346344, PMCID: PMC8962531

Color Diagnostics, LLC DBA Color Health
Classification: Uncertain significance for Wilson disease. Last evaluated: 2023-10-18. Review status: criteria provided, single submitter. Criteria: ACMG Guidelines, 2015. Collection method: clinical testing. Allele origin: germline.
Comment: This missense variant replaces glutamic acid with glutamine at codon 5 of the ATP7B protein. Computational prediction suggests that this variant may not impact protein structure and function (internally defined REVEL score threshold <= 0.5, PMID: 27666373). To our knowledge, functional studies have not been reported for this variant. This variant has not been reported in individuals affected with ATP7B-related disorders in the literature. This variant has been identified in 3/249424 chromosomes in the general population by the Genome Aggregation Database (gnomAD). The available evidence is insufficient to determine the role of this variant in disease conclusively. Therefore, this variant is classified as a Variant of Uncertain Significance.

ARUP Laboratories, Molecular Genetics and Genomics, ARUP Laboratories
Classification: Uncertain significance for Wilson disease. Last evaluated: 2023-03-27. Review status: criteria provided, single submitter. Criteria: ARUP Molecular Germline Variant Investigation Process 2024. Collection method: clinical testing. Allele origin: germline.
Comment: The ATP7B c.13G>C; p.Glu5Gln variant (rs757341859), to our knowledge, is not reported in the medical literature or gene specific databases. This variant is only found on three alleles in the Genome Aggregation Database, indicating it is not a common polymorphism. Computational analyses are uncertain whether this variant is neutral or deleterious (REVEL: 0.261). Due to limited information, the clinical significance of this variant is uncertain at this time.

NM_000053.4(ATP7B):c.13G>C (p.Glu5Gln)

Gene: ATP7B (ATPase copper transporting beta; minus strand). Cytogenetic location: 13q14.3.
Variant type: single nucleotide variant.
Coding change: c.13G>C on transcript NM_000053.4 (MANE Select); coding-DNA position 13, G replaced by C.
Protein change: p.Glu5Gln; replaces glutamic acid 5 with glutamine.
Molecular consequence: missense variant. On other transcripts: 5 prime UTR variant (3).
Genome position (GRCh38, 1-based): chr13:52,011,325, C>G on the plus strand (G>C on the coding strand, the complement: ATP7B is on the minus strand). VCF-style: chr13-52011325-C-G. GRCh37 (hg19) VCF-style: chr13-52585461-C-G.
Other names: c.13G>C, p.Glu5Gln (NM_001005918.3, NM_001243182.2, NM_001330578.2 and 30 more transcripts); c.-175G>C (NM_001406518.1); c.-117G>C (NM_001406539.1, NM_001406543.1); short protein forms E5Q.
Identifiers: ClinVar variation 2920989 (VCV002920989.3), dbSNP rs757341859, ClinGen allele CA6989719.